The following is an entry in ClinVar:

NM_000077.5(CDKN2A):c.458-39T>G

Gene: CDKN2A (cyclin dependent kinase inhibitor 2A; minus strand). Cytogenetic location: 9p21.3.
Variant type: single nucleotide variant.
Coding change: c.458-39T>G on transcript NM_000077.5 (MANE Select); 39 bases into the intron before coding-DNA position 458, T replaced by G.
Molecular consequence: intron variant.
Genome position (GRCh38, 1-based): chr9:21,968,281, A>C on the plus strand (T>G on the coding strand, the complement: CDKN2A is on the minus strand). VCF-style: chr9-21968281-A-C. GRCh37 (hg19) VCF-style: chr9-21968280-A-C.
Other names: c.305-39T>G (NM_001363763.2); c.*102-39T>G (NM_058195.4); c.*151-39T>G (NM_001195132.2); c.*381-39T>G (NM_058197.5).
Identifiers: ClinVar variation 4294209 (VCV004294209.1).

ClinVar aggregate classification (germline): Benign (1 of 4 stars; one submission).

Conditions:
Melanoma-pancreatic cancer syndrome. Identifiers: Orphanet 404560, MedGen C1838547, MONDO:0011713, OMIM 606719. Disease mechanism: loss of function.

gnomAD v4.1: 1 of 1,612,030 alleles (0.000062%); highest among the groups gnomAD compares: Middle Eastern, 0.017%; no homozygotes.

Submission:

Myriad Genetics, Inc.
Classification: Benign for Melanoma-pancreatic cancer syndrome. Last evaluated: 2025-08-18. Review status: criteria provided, single submitter. Criteria: Myriad Autosomal Dominant, Autosomal Recessive and X-Linked Classification Criteria (2023). Collection method: clinical testing. Allele origin: unknown.
Comment: This variant is considered benign. This variant is intronic and is not expected to impact mRNA splicing.